The following is an entry in ClinVar:

ClinVar aggregate classification (germline): Conflicting classifications of pathogenicity. Review status: criteria provided, conflicting classifications (1 of 4 stars). 3 submissions from 3 submitters: Uncertain significance (2); Likely benign (1). Last evaluated 2025-05-19.

Conditions:
Breast and/or ovarian cancer. Identifiers: MedGen CN221562.
Hereditary cancer-predisposing syndrome. Also called: Neoplastic Syndromes, Hereditary; Tumor predisposition; Hereditary Cancer Syndrome; Hereditary neoplastic syndrome. Identifiers: Orphanet 140162, MedGen C0027672, MeSH D009386, MONDO:0015356.
Hereditary breast ovarian cancer syndrome. Also called: Hereditary breast and/or ovarian cancer syndrome; Hereditary breast and ovarian cancer syndrome; Breast and ovarian cancer; Hereditary breast and ovarian cancer; BRCA1- and BRCA2-Associated Hereditary Breast and Ovarian Cancer; Hereditary breast and ovarian cancer syndrome (HBOC). Identifiers: Orphanet 145, MedGen C0677776, MeSH D061325, MONDO:0003582. Disease mechanism: loss of function.

Allele frequency attached by ClinVar (database versions not stated): gnomAD exomes below 0.00001.
gnomAD v4.1: 2 of 1,614,206 alleles (0.00012%); highest among the groups gnomAD compares: Non-Finnish European, 0.00017%; no homozygotes.

Submissions (3):

Ambry Genetics
Classification: Likely benign for Hereditary cancer-predisposing syndrome. Last evaluated: 2025-05-19. Review status: criteria provided, single submitter. Criteria: Ambry Variant Classification Scheme 2023. Collection method: clinical testing. Allele origin: germline.

CHEO Genetics Diagnostic Laboratory, Children's Hospital of Eastern Ontario
Classification: Uncertain significance for Breast and/or ovarian cancer. Last evaluated: 2023-04-20. Review status: criteria provided, single submitter. Criteria: ACMG Guidelines, 2015. Collection method: clinical testing. Allele origin: germline.

Labcorp Genetics (formerly Invitae), Labcorp
Classification: Uncertain significance for Hereditary breast ovarian cancer syndrome. Last evaluated: 2022-07-22. Review status: criteria provided, single submitter. Criteria: Invitae Variant Classification Sherloc (09022015). Collection method: clinical testing. Allele origin: germline.
Comment: This sequence change replaces tyrosine, which is neutral and polar, with cysteine, which is neutral and slightly polar, at codon 2621 of the BRCA2 protein (p.Tyr2621Cys). In summary, the available evidence is currently insufficient to determine the role of this variant in disease. Therefore, it has been classified as a Variant of Uncertain Significance. Algorithms developed to predict the effect of missense changes on protein structure and function are either unavailable or do not agree on the potential impact of this missense change (SIFT: "Deleterious"; PolyPhen-2: "Possibly Damaging"; Align-GVGD: "Class C0"). This variant has not been reported in the literature in individuals affected with BRCA2-related conditions. This variant is not present in population databases (gnomAD no frequency).

NM_000059.4(BRCA2):c.7862A>G (p.Tyr2621Cys)

Gene: BRCA2 (BRCA2 DNA repair associated; plus strand). Cytogenetic location: 13q13.1.
Variant type: single nucleotide variant.
Coding change: c.7862A>G on transcript NM_000059.4 (MANE Select); coding-DNA position 7862, A replaced by G.
Protein change: p.Tyr2621Cys; replaces tyrosine 2621 with cysteine.
Molecular consequence: missense variant.
Genome position (GRCh38, 1-based): chr13:32,362,579, A>G. VCF-style: chr13-32362579-A-G. GRCh37 (hg19) VCF-style: chr13-32936716-A-G.
Other names: c.7766A>G, p.Tyr2589Cys (NM_001406719.1); c.7862A>G, p.Tyr2621Cys (NM_001406720.1); c.2930A>G, p.Tyr977Cys (NM_001406721.1); c.1445A>G, p.Tyr482Cys (NM_001406722.1); short protein forms Y482C, Y977C, Y2621C, Y2589C.
Identifiers: ClinVar variation 1760926 (VCV001760926.10), dbSNP rs1566244772, ClinGen allele CA387747072.